The following is an entry in ClinVar:

ClinVar aggregate classification (germline): Uncertain significance (1 of 4 stars; one submission).

Conditions:
Inborn genetic diseases. Identifiers: MedGen C0950123, MeSH D030342.

Submission:

Ambry Genetics
Classification: Uncertain significance for Inborn genetic diseases. Last evaluated: 2025-01-23. Review status: criteria provided, single submitter. Criteria: Ambry Variant Classification Scheme 2023. Collection method: clinical testing. Allele origin: germline.
Comment: The p.E1685Q variant (also known as c.5053G>C), located in coding exon 20 of the FANCM gene, results from a G to C substitution at nucleotide position 5053. The glutamic acid at codon 1685 is replaced by glutamine, an amino acid with highly similar properties. This amino acid position is conserved. In addition, this alteration is predicted to be tolerated by in silico analysis. Based on the available evidence, the clinical significance of this variant remains unclear.

NM_020937.4(FANCM):c.5053G>C (p.Glu1685Gln)

Gene: FANCM (FA complementation group M; plus strand). Cytogenetic location: 14q21.2.
Variant type: single nucleotide variant.
Coding change: c.5053G>C on transcript NM_020937.4 (MANE Select); coding-DNA position 5053, G replaced by C.
Protein change: p.Glu1685Gln; replaces glutamic acid 1685 with glutamine.
Molecular consequence: missense variant.
Genome position (GRCh38, 1-based): chr14:45,189,075, G>C. VCF-style: chr14-45189075-G-C. GRCh37 (hg19) VCF-style: chr14-45658278-G-C.
Other names: c.4975G>C, p.Glu1659Gln (NM_001308133.2); short protein forms E1685Q, E1659Q.
Identifiers: ClinVar variation 3848651 (VCV003848651.1).